The following is an entry in ClinVar:

NM_000135.4(FANCA):c.1815G>A (p.Glu605=)

Gene: FANCA (FA complementation group A; minus strand). Cytogenetic location: 16q24.3.
Variant type: single nucleotide variant.
Coding change: c.1815G>A on transcript NM_000135.4 (MANE Select); coding-DNA position 1815, G replaced by A.
Protein change: p.Glu605=; no amino-acid change (glutamic acid 605 retained).
Molecular consequence: synonymous variant.
Genome position (GRCh38, 1-based): chr16:89,778,812, C>T on the plus strand (G>A on the coding strand, the complement: FANCA is on the minus strand). VCF-style: chr16-89778812-C-T. GRCh37 (hg19) VCF-style: chr16-89845220-C-T.
Other names: c.1815G>A, p.Glu605= (NM_001286167.3).
Identifiers: ClinVar variation 701726 (VCV000701726.13), dbSNP rs773613283, ClinGen allele CA8252058.

ClinVar aggregate classification (germline): Likely benign. Review status: criteria provided, multiple submitters, no conflicts (2 of 4 stars). 4 submissions from 4 submitters: Likely benign (2). 2 of the submissions do not count toward it. Last evaluated 2025-10-13.

Conditions:
Fanconi anemia (FA). Also called: Fanconi's anemia. Identifiers: Orphanet 84, MedGen C0015625, MeSH D005199, MONDO:0019391.
FANCA-related disorder. Also called: FANCA-related condition.
Inborn genetic diseases. Identifiers: MedGen C0950123, MeSH D030342.
Fanconi anemia complementation group A (FANCA). Also called: Fanconi anemia, group A; FANCA-Related Fanconi Anemia. Identifiers: Orphanet 84, MedGen C3469521, MONDO:0009215, OMIM 227650.

Allele frequency attached by ClinVar (database versions not stated): ExAC 0.00001; gnomAD exomes 0.00002 and 0.00006; gnomAD 0.00003; TOPMed 0.00003.
gnomAD v4.1: 99 of 1,613,912 alleles (0.0061%); highest among the groups gnomAD compares: Non-Finnish European, 0.0078%; no homozygotes.

Submissions (4):

Labcorp Genetics (formerly Invitae), Labcorp
Classification: Likely benign for Fanconi anemia. Last evaluated: 2025-10-13. Review status: criteria provided, single submitter. Criteria: Invitae Variant Classification Sherloc (09022015). Collection method: clinical testing. Allele origin: germline.

Ambry Genetics
Classification: Likely benign for Inborn genetic diseases. Last evaluated: 2024-11-25. Review status: criteria provided, single submitter. Criteria: Ambry Variant Classification Scheme 2023. Collection method: clinical testing. Allele origin: germline.

PreventionGenetics, part of Exact Sciences
Classification: Likely benign for FANCA-related condition. Last evaluated: 2024-06-28. Review status: no assertion criteria provided. Collection method: clinical testing. Allele origin: germline. Not counted in ClinVar's aggregate classification.
Comment: This variant is classified as likely benign based on ACMG/AMP sequence variant interpretation guidelines (Richards et al. 2015 PMID: 25741868, with internal and published modifications).

Natera, Inc.
Classification: Uncertain significance for Fanconi anemia, group A. Last evaluated: 2020-01-24. Review status: no assertion criteria provided. Collection method: clinical testing. Allele origin: germline. Not counted in ClinVar's aggregate classification.